The following is an entry in ClinVar:

NM_025257.3(SLC44A4):c.849G>T (p.Leu283=)

Gene: SLC44A4 (solute carrier family 44 member 4; minus strand). Cytogenetic location: 6p21.33.
Variant type: single nucleotide variant.
Coding change: c.849G>T on transcript NM_025257.3 (MANE Select); coding-DNA position 849, G replaced by T.
Protein change: p.Leu283=; no amino-acid change (leucine 283 retained).
Molecular consequence: synonymous variant.
Genome position (GRCh38, 1-based): chr6:31,870,900, C>A on the plus strand (G>T on the coding strand, the complement: SLC44A4 is on the minus strand). VCF-style: chr6-31870900-C-A. GRCh37 (hg19) VCF-style: chr6-31838677-C-A.
Other names: c.723G>T, p.Leu241= (NM_001178044.2); c.621G>T, p.Leu207= (NM_001178045.2); c.849G>T, p.Leu283= (NM_032794.1); c.849G>T (NM_025257.2).
Identifiers: ClinVar variation 2077497 (VCV002077497.6), dbSNP rs756922343, ClinGen allele CA3725568.

ClinVar aggregate classification (germline): Benign. Review status: criteria provided, single submitter (1 of 4 stars). 2 submissions from 2 submitters: Benign (1). 1 of the submissions does not count toward it. Last evaluated 2025-11-19.

Conditions:
SLC44A4-related disorder. Also called: SLC44A4-related condition.

Allele frequency attached by ClinVar (database versions not stated): gnomAD exomes 0.00003; gnomAD 0.00004; TOPMed 0.00008; ExAC 0.00011.
gnomAD v4.1: 51 of 1,612,922 alleles (0.0032%); highest among the groups gnomAD compares: Admixed American, 0.085%; no homozygotes.

Submissions (2):

Labcorp Genetics (formerly Invitae), Labcorp
Classification: Benign. Last evaluated: 2025-11-19. Review status: criteria provided, single submitter. Criteria: Invitae Variant Classification Sherloc (09022015). Collection method: clinical testing. Allele origin: germline.

PreventionGenetics, part of Exact Sciences
Classification: Likely benign for SLC44A4-related condition. Last evaluated: 2019-11-22. Review status: no assertion criteria provided. Collection method: clinical testing. Allele origin: germline. Not counted in ClinVar's aggregate classification.
Comment: This variant is classified as likely benign based on ACMG/AMP sequence variant interpretation guidelines (Richards et al. 2015 PMID: 25741868, with internal and published modifications).